The following is an entry in ClinVar:

ClinVar aggregate classification (germline): Uncertain significance (1 of 4 stars; one submission).

Allele frequency attached by ClinVar (database versions not stated): TOPMed below 0.00001.

Submission:

Labcorp Genetics (formerly Invitae), Labcorp
Classification: Uncertain significance. Last evaluated: 2025-12-13. Review status: criteria provided, single submitter. Criteria: Invitae Variant Classification Sherloc (09022015). Collection method: clinical testing. Allele origin: germline.
Comment: This sequence change replaces glycine, which is neutral and non-polar, with arginine, which is basic and polar, at codon 658 of the SCN3A protein (p.Gly658Arg). This variant is not present in population databases (gnomAD no frequency). This variant has not been reported in the literature in individuals affected with SCN3A-related conditions. ClinVar contains an entry for this variant (Variation ID: 1483110). Invitae Evidence Modeling of protein sequence and biophysical properties (such as structural, functional, and spatial information, amino acid conservation, physicochemical variation, residue mobility, and thermodynamic stability) indicates that this missense variant is not expected to disrupt SCN3A protein function with a negative predictive value of 80%. In summary, the available evidence is currently insufficient to determine the role of this variant in disease. Therefore, it has been classified as a Variant of Uncertain Significance.

NM_006922.4(SCN3A):c.1972G>C (p.Gly658Arg)

Gene: SCN3A (sodium voltage-gated channel alpha subunit 3; minus strand). Cytogenetic location: 2q24.3.
Variant type: single nucleotide variant.
Coding change: c.1972G>C on transcript NM_006922.4 (MANE Select); coding-DNA position 1972, G replaced by C.
Protein change: p.Gly658Arg; replaces glycine 658 with arginine.
Molecular consequence: missense variant. On other transcripts: intron variant (2).
Genome position (GRCh38, 1-based): chr2:165,140,698, C>G on the plus strand (G>C on the coding strand, the complement: SCN3A is on the minus strand). VCF-style: chr2-165140698-C-G. GRCh37 (hg19) VCF-style: chr2-165997208-C-G.
Other names: c.1872+100G>C (NM_001081676.2, NM_001081677.2); short protein forms G658R.
Identifiers: ClinVar variation 1483110 (VCV001483110.8), dbSNP rs1687954690, ClinGen allele CA349046182.